The following is an entry in ClinVar:

NM_000016.6(ACADM):c.468+1G>A

Gene: ACADM (acyl-CoA dehydrogenase medium chain; plus strand). Cytogenetic location: 1p31.1.
Variant type: single nucleotide variant.
Coding change: c.468+1G>A on transcript NM_000016.6 (MANE Select); the canonical splice donor site of the intron after coding-DNA position 468, G replaced by A.
Molecular consequence: splice donor variant. On other transcripts: intron variant (1).
Genome position (GRCh38, 1-based): chr1:75,734,872, G>A. VCF-style: chr1-75734872-G-A. GRCh37 (hg19) VCF-style: chr1-76200557-G-A.
Other names: c.480+1G>A (NM_001127328.3); c.567+1G>A (NM_001286043.2); c.360+1G>A (NM_001286042.2); c.-100+1950G>A (NM_001286044.2); c.468+1G>A (NM_000016.5).
Identifiers: ClinVar variation 2444652 (VCV002444652.4), dbSNP rs776498263, ClinGen allele CA913109.
Genomic context (GRCh38, chr1:75,734,872, plus strand): 5'-GGAAATGATCAACAAAAGAAGAAGTATTTGGGGAGAATGACTGAGGAGCCATTGATGTGT[G>A]TGAGTATGTGTAACTGCCGCTTTATTTCACACTTAAGAAGGGAACAAAGGTGCTATTTCT-3'

ClinVar aggregate classification (germline): Pathogenic/Likely pathogenic. Review status: criteria provided, multiple submitters, no conflicts (2 of 4 stars). 3 submissions from 3 submitters: Pathogenic (1); Likely pathogenic (2). Last evaluated 2025-11-20.

Conditions:
Medium-chain acyl-coenzyme A dehydrogenase deficiency (ACADMD). Also called: ACADM DEFICIENCY; CARNITINE DEFICIENCY SECONDARY TO MEDIUM-CHAIN ACYL-CoA DEHYDROGENASE DEFICIENCY; MCADH DEFICIENCY; MCADD; Medium chain acyl-CoA dehydrogenase deficiency; MCAD Deficiency. Identifiers: Orphanet 42, MedGen C0220710, MONDO:0008721, OMIM 201450.

Allele frequency attached by ClinVar (database versions not stated): gnomAD exomes below 0.00001; ExAC 0.00001.
gnomAD v4.1: 1 of 1,609,926 alleles (0.000062%); highest among the groups gnomAD compares: Non-Finnish European, 0.000085%; no homozygotes.

Submissions (3):

GeneDx
Classification: Likely pathogenic. Last evaluated: 2025-11-20. Review status: criteria provided, single submitter. Criteria: GeneDx Variant Classification Process June 2021. Collection method: clinical testing. Allele origin: germline.
Comment: Canonical splice site variant predicted to result in an in-frame loss of the adjacent exon in a gene for which loss of function is a known mechanism of disease; Not observed at significant frequency in large population cohorts (gnomAD); This variant is associated with the following publications: (PMID: 27943070)

Natera, Inc.
Classification: Likely pathogenic for Medium Chain Acyl-CoA Dehydrogenase Deficiency. Last evaluated: 2025-03-22. Review status: criteria provided, single submitter. Criteria: Natera Variant Classification Schema (03/2026). Collection method: clinical testing. Allele origin: germline.
Comment: The c.468+1G>A variant in ACADM is a canonical splice donor site variant predicted to affect pre-mRNA splicing, which may result in an abnormal transcript and altered protein product. This variant is expected to result in nonsense mediated decay, truncation, or a dysfunctional protein product. This variant is rare in the general population with a frequency below the threshold expected for the associated phenotype(s). This variant has been observed in one or more individuals affected with the associated recessive disease, as either homozygous or compound heterozygous with a second variant (PMID: 27943070). Given the available evidence, this variant is classified as Likely Pathogenic.

Baylor Genetics
Classification: Pathogenic for Medium-chain acyl-coenzyme A dehydrogenase deficiency. Last evaluated: 2023-12-23. Review status: criteria provided, single submitter. Criteria: ACMG Guidelines, 2015. Collection method: clinical testing. Allele origin: unknown.

Literature cited by the submitters: PubMed 27943070 (cited by Natera, Inc.).